The following is an entry in ClinVar:

NM_201525.4(ADGRG1):c.1006C>T (p.Gln336Ter)

Gene: ADGRG1 (adhesion G protein-coupled receptor G1; plus strand). Cytogenetic location: 16q21.
Variant type: single nucleotide variant.
Coding change: c.1006C>T on transcript NM_201525.4 (MANE Select); coding-DNA position 1006, C replaced by T.
Protein change: p.Gln336Ter; replaces glutamine 336 with a stop codon.
Molecular consequence: nonsense.
Genome position (GRCh38, 1-based): chr16:57,655,981, C>T. VCF-style: chr16-57655981-C-T. GRCh37 (hg19) VCF-style: chr16-57689893-C-T.
Other names: c.1006C>T, p.Gln336Ter (NM_001145770.3, NM_001145771.3, NM_001145772.3 and 16 more transcripts); c.1021C>T, p.Gln341Ter (NM_001145773.3, NM_001370433.1); c.496C>T, p.Gln166Ter (NM_001290142.2); c.481C>T, p.Gln161Ter (NM_001290143.2, NM_001290144.2, NM_001370453.1 and 2 more transcripts); c.850C>T, p.Gln284Ter (NM_001370442.1); short protein forms Q166*, Q336*, Q161*, Q341*, Q284*.
Identifiers: ClinVar variation 1458590 (VCV001458590.6), dbSNP rs2148426389, ClinGen allele CA396048377.

ClinVar aggregate classification (germline): Pathogenic (1 of 4 stars; one submission).

Submission:

Labcorp Genetics (formerly Invitae), Labcorp
Classification: Pathogenic. Last evaluated: 2021-10-01. Review status: criteria provided, single submitter. Criteria: Invitae Variant Classification Sherloc (09022015). Collection method: clinical testing. Allele origin: germline.
Comment: For these reasons, this variant has been classified as Pathogenic. This variant has not been reported in the literature in individuals affected with ADGRG1-related conditions. This variant is not present in population databases (ExAC no frequency). This sequence change creates a premature translational stop signal (p.Gln336*) in the ADGRG1 gene. It is expected to result in an absent or disrupted protein product. Loss-of-function variants in ADGRG1 are known to be pathogenic (PMID: 15044805, 20929962).

Literature cited by the submitters: PubMed 15044805; PubMed 20929962.